The following is an entry in ClinVar:

NM_000718.4(CACNA1B):c.6083G>A (p.Arg2028Gln)

Gene: CACNA1B (calcium voltage-gated channel subunit alpha1 B; plus strand). Cytogenetic location: 9q34.3.
Variant type: single nucleotide variant.
Coding change: c.6083G>A on transcript NM_000718.4 (MANE Select); coding-DNA position 6083, G replaced by A.
Protein change: p.Arg2028Gln; replaces arginine 2028 with glutamine.
Molecular consequence: missense variant.
Genome position (GRCh38, 1-based): chr9:138,120,217, G>A. VCF-style: chr9-138120217-G-A. GRCh37 (hg19) VCF-style: chr9-141014669-G-A.
Other names: c.6083G>A (NM_000718.3); c.6083G>A, p.Arg2028Gln (NM_001243812.2); short protein forms R2028Q.
Identifiers: ClinVar variation 2065294 (VCV002065294.7), dbSNP rs549039968, ClinGen allele CA5377602.
Genomic context (GRCh38, chr9:138,120,217, plus strand): 5'-GCCCACAGCCCGTCACAGATGCCAGCCCCATGAAGCGCTCCATCTCCACGCTGGCCCAGC[G>A]GCCCCGTGGGACTCATCTTTGCAGCACCACCCCGGACCGCCCACCCCCTAGCCAGGCGTC-3'
Protein context (NP_000709.1, residues 2018-2038): MKRSISTLAQ[Arg2028Gln]PRGTHLCSTT

ClinVar aggregate classification (germline): Conflicting classifications of pathogenicity. Review status: criteria provided, conflicting classifications (1 of 4 stars). 3 submissions from 3 submitters: Uncertain significance (2); Likely benign (1). Last evaluated 2026-02-24.

Allele frequency attached by ClinVar (database versions not stated): TOPMed 0.00003; 1000 Genomes Project 30x 0.00031; 1000 Genomes Project 0.00040; gnomAD 0.00007; gnomAD exomes 0.00009; ExAC 0.00011.
gnomAD v4.1: 134 of 1,608,492 alleles (0.0083%); highest among the groups gnomAD compares: East Asian, 0.26%; no homozygotes.

Submissions (3):

GeneDx
Classification: Uncertain significance. Last evaluated: 2026-02-24. Review status: criteria provided, single submitter. Criteria: GeneDx Variant Classification Process June 2021. Collection method: clinical testing. Allele origin: germline.
Comment: In silico analysis suggests that this missense variant does not alter protein structure/function; Has not been previously published as pathogenic or benign to our knowledge

Labcorp Genetics (formerly Invitae), Labcorp
Classification: Likely benign. Last evaluated: 2025-04-21. Review status: criteria provided, single submitter. Criteria: Invitae Variant Classification Sherloc (09022015). Collection method: clinical testing. Allele origin: germline.

Ambry Genetics
Classification: Uncertain significance. Last evaluated: 2023-03-23. Review status: criteria provided, single submitter. Criteria: Ambry Variant Classification Scheme 2023. Collection method: clinical testing. Allele origin: germline.